The following is an entry in ClinVar:

ClinVar aggregate classification (germline): Pathogenic/Likely pathogenic. Review status: criteria provided, multiple submitters, no conflicts (2 of 4 stars). 5 submissions from 5 submitters: Pathogenic (2); Likely pathogenic (2). 1 of the submissions does not count toward it. Last evaluated 2024-05-31.

Conditions:
Autoinflammatory syndrome. Identifiers: Orphanet 93665, MedGen C3890737, MONDO:0019751.
Sneddon syndrome (SNDNS). Also called: LIVEDO RETICULARIS AND CEREBROVASCULAR ACCIDENTS; Idiopathic livedo reticularis with systemic involvement. Identifiers: Orphanet 820, MedGen C0282492, MONDO:0008436, OMIM 182410.
Deficiency of adenosine deaminase 2. Also called: Polyarteritis nodosa, childhoood-onset; Adenosine Deaminase 2 Deficiency; VASCULITIS, AUTOINFLAMMATION, IMMUNODEFICIENCY, AND HEMATOLOGIC DEFECTS SYNDROME. Identifiers: Orphanet 404553, MedGen C3887654, MONDO:0014306, OMIM 615688, MONDO:0100317.
ADA2-related disorder. Also called: ADA2-related condition.

Submissions (5):

Fulgent Genetics
Classification: Likely pathogenic for Sneddon syndrome; Deficiency of adenosine deaminase 2. Last evaluated: 2024-05-31. Review status: criteria provided, single submitter. Criteria: ACMG Guidelines, 2015. Collection method: clinical testing. Allele origin: germline.

Labcorp Genetics (formerly Invitae), Labcorp
Classification: Pathogenic for Deficiency of adenosine deaminase 2. Last evaluated: 2024-02-12. Review status: criteria provided, single submitter. Criteria: Invitae Variant Classification Sherloc (09022015). Collection method: clinical testing. Allele origin: germline.
Comment: This sequence change creates a premature translational stop signal (p.Lys466Thrfs*2) in the ADA2 gene. While this is not anticipated to result in nonsense mediated decay, it is expected to disrupt the last 46 amino acid(s) of the ADA2 protein. This variant is present in population databases (rs754904956, gnomAD 0.003%). This premature translational stop signal has been observed in individual(s) with bone marrow failure, Diamond-Blackfan anemia, and/or primary immunodeficiency (PMID: 30503522, 31945408, 32888943). This variant is also known as 17662748:GTCAGCCT>G. ClinVar contains an entry for this variant (Variation ID: 860051). Experimental studies and prediction algorithms are not available or were not evaluated, and the functional significance of this variant is currently unknown. This variant disrupts a region of the ADA2 protein in which other variant(s) (p.Asn491Lysfs*16) have been determined to be pathogenic (Invitae). This suggests that this is a clinically significant region of the protein, and that variants that disrupt it are likely to be disease-causing. For these reasons, this variant has been classified as Pathogenic.

Blueprint Genetics
Classification: Pathogenic for ADA2-related disorders. Last evaluated: 2023-07-21. Review status: criteria provided, single submitter. Criteria: ACMG Guidelines, 2015. Collection method: clinical testing. Allele origin: germline. Affected: yes. Observed: 1 variant allele.

Genome Diagnostics Laboratory, The Hospital for Sick Children
Classification: Likely pathogenic for Autoinflammatory syndrome. Last evaluated: 2016-12-12. Review status: criteria provided, single submitter. Criteria: ACMG Guidelines, 2015. Collection method: clinical testing. Allele origin: germline. Affected: yes.

Genetic Services Laboratory, University of Chicago
Classification: Likely pathogenic. Last evaluated: 2022-07-21. Review status: no assertion criteria provided. Collection method: clinical testing. Allele origin: germline. Affected: yes. Not counted in ClinVar's aggregate classification.
Comment: DNA sequence analysis of the ADA2 gene demonstrated a 7 base pair deletion in exon 9, c.1397_1403del. This sequence change results in an amino acid frameshift and creates a premature stop codon one amino acid downstream of the change, p.Lys466Thrfs*2. While this sequence change is not anticipated to result in nonsense mediated decay, it is expected to disrupt the last few amino acid(s) of the ADA2 protein. This sequence change has been described in the homozygous state in one individual with pure red cell aplasia and bone marrow failure and shown to have no ADA2 enzyme activity in vitro (PMID 31945408) and has also been described in three individuals in the homozygous state with Diamond Blackfan Anemia (PMID 30503522) and in one individual with primary immunodeficiency (PMID: 32888943). This sequence change has been described in the gnomAD database in one individual which corresponds to a population frequency of 0.0004% (dbSNP rs754904956). These collective evidences indicate that this sequence change is likely pathogenic.

Literature cited by the submitters: PubMed 30503522 (cited by Labcorp Genetics (formerly Invitae), Labcorp); PubMed 31945408 (cited by Labcorp Genetics (formerly Invitae), Labcorp); PubMed 32888943 (cited by Labcorp Genetics (formerly Invitae), Labcorp).

NM_001282225.2(ADA2):c.1397_1403del (p.Lys466fs)

Gene: ADA2 (adenosine deaminase 2; minus strand). Cytogenetic location: 22q11.1.
Variant type: Deletion.
Coding change: c.1397_1403del on transcript NM_001282225.2 (MANE Select); coding-DNA positions 1397 to 1403, 7 bases deleted (AGGCTGA; older notation c.1397_1403delAGGCTGA).
Protein change: p.Lys466fs; shifts the reading frame from lysine 466.
Molecular consequence: frameshift variant.
Genome position (GRCh38, 1-based): chr22:17,181,859-17,181,865, TCAGCCT deleted on the plus strand (AGGCTGA on the coding strand, the reverse complement: ADA2 is on the minus strand); deleting any 7 consecutive bases within chr22:17,181,859-17,181,868 gives the same sequence; the c. name uses the placement nearest the transcript's 3' end. VCF-style (leftmost placement, unchanged base first): chr22-17181858-GTCAGCCT-G. GRCh37 (hg19) VCF-style: chr22-17662748-GTCAGCCT-G.
Other names: c.1397_1403del, p.Lys466fs (NM_001282226.2); c.1271_1277del, p.Lys424fs (NM_001282227.2, NM_001282228.2); c.1037_1043del, p.Lys346fs (NM_001282229.2); c.674_680del, p.Lys225fs (NM_177405.3); c.1397_1403delAGGCTGA (NM_001282225.1); short protein forms K346fs, K466fs, K225fs, K424fs.
Identifiers: ClinVar variation 860051 (VCV000860051.16), dbSNP rs754904956, ClinGen allele CA10087877.